The following is an entry in ClinVar:

NM_001382567.1(STIM1):c.227A>G (p.Asp76Gly)

Gene: STIM1 (stromal interaction molecule 1; plus strand). Cytogenetic location: 11p15.4.
Variant type: single nucleotide variant.
Coding change: c.227A>G on transcript NM_001382567.1 (MANE Select); coding-DNA position 227, A replaced by G.
Protein change: p.Asp76Gly; replaces aspartic acid 76 with glycine.
Molecular consequence: missense variant. On other transcripts: non-coding transcript variant (3), intron variant (4).
Genome position (GRCh38, 1-based): chr11:3,967,639, A>G. VCF-style: chr11-3967639-A-G. GRCh37 (hg19) VCF-style: chr11-3988869-A-G.
Other names: c.227A>G, p.Asp76Gly (NM_001277961.3, NM_001277962.2, NM_001382568.1 and 3 more transcripts); c.5A>G, p.Asp2Gly (NM_001382566.1, NM_001382573.1, NM_001382574.1 and 5 more transcripts); c.-219-56234A>G (NM_001382580.1, NM_001382581.1); c.136-56234A>G (NM_001382569.1); c.-98-56234A>G (NM_001382571.1); short protein forms D2G, D76G.
Identifiers: ClinVar variation 1306830 (VCV001306830.2), dbSNP rs2135736487, ClinGen allele CA379485033.

ClinVar aggregate classification (germline): Uncertain significance (1 of 4 stars; one submission).

Submission:

GeneDx
Classification: Uncertain significance. Last evaluated: 2019-03-19. Review status: criteria provided, single submitter. Criteria: GeneDx Variant Classification Process June 2021. Collection method: clinical testing. Allele origin: germline. Affected: yes.
Comment: Not observed in large population cohorts (Lek et al., 2016); In silico analysis, which includes protein predictors and evolutionary conservation, supports a deleterious effect; Has not been previously published as pathogenic or benign to our knowledge